The following is an entry in ClinVar:

ClinVar aggregate classification (germline): Uncertain significance. Review status: criteria provided, multiple submitters, no conflicts (2 of 4 stars). 2 submissions from 2 submitters: Uncertain significance (2). Last evaluated 2025-03-01.

Conditions:
Inborn genetic diseases. Identifiers: MedGen C0950123, MeSH D030342.

Allele frequency attached by ClinVar (database versions not stated): gnomAD exomes below 0.00001 and 0.00001; ExAC 0.00002; gnomAD 0.00004; TOPMed 0.00004.
gnomAD v4.1: 8 of 1,611,342 alleles (0.0005%); highest among the groups gnomAD compares: African/African-American, 0.011%; no homozygotes.

Submissions (2):

Ambry Genetics
Classification: Uncertain significance for Inborn genetic diseases. Last evaluated: 2025-03-01. Review status: criteria provided, single submitter. Criteria: Ambry Variant Classification Scheme 2023. Collection method: clinical testing. Allele origin: germline.

Labcorp Genetics (formerly Invitae), Labcorp
Classification: Uncertain significance. Last evaluated: 2025-02-03. Review status: criteria provided, single submitter. Criteria: Invitae Variant Classification Sherloc (09022015). Collection method: clinical testing. Allele origin: germline.
Comment: This sequence change replaces glutamic acid, which is acidic and polar, with aspartic acid, which is acidic and polar, at codon 678 of the KIF2A protein (p.Glu678Asp). This variant is present in population databases (rs751694383, gnomAD 0.02%). This variant has not been reported in the literature in individuals affected with KIF2A-related conditions. ClinVar contains an entry for this variant (Variation ID: 1442739). An algorithm developed to predict the effect of missense changes on protein structure and function (PolyPhen-2) suggests that this variant is likely to be disruptive. In summary, the available evidence is currently insufficient to determine the role of this variant in disease. Therefore, it has been classified as a Variant of Uncertain Significance.

NM_001098511.3(KIF2A):c.2034A>T (p.Glu678Asp)

Gene: KIF2A (kinesin family member 2A; plus strand). Cytogenetic location: 5q12.1.
Variant type: single nucleotide variant.
Coding change: c.2034A>T on transcript NM_001098511.3 (MANE Select); coding-DNA position 2034, A replaced by T.
Protein change: p.Glu678Asp; replaces glutamic acid 678 with aspartic acid.
Molecular consequence: missense variant.
Genome position (GRCh38, 1-based): chr5:62,381,138, A>T. VCF-style: chr5-62381138-A-T. GRCh37 (hg19) VCF-style: chr5-61676965-A-T.
Other names: c.1839A>T, p.Glu613Asp (NM_001243952.2); c.1863A>T, p.Glu621Asp (NM_001243953.2); c.1920A>T, p.Glu640Asp (NM_004520.5); c.2034A>T (NM_001098511.2); short protein forms E613D, E621D, E640D, E678D.
Identifiers: ClinVar variation 1442739 (VCV001442739.7), dbSNP rs751694383, ClinGen allele CA3279108.